The following is an entry in ClinVar:

ClinVar aggregate classification (germline): Uncertain significance (1 of 4 stars; one submission).

Conditions:
Ullrich congenital muscular dystrophy 2 (UCMD2). Identifiers: Orphanet 75840, MedGen C4225314, MONDO:0014654, OMIM 616470.
Bethlem myopathy 2 (BTHLM2). Identifiers: Orphanet 536516, Orphanet 610, MedGen C4225313, MONDO:0034022, OMIM 616471.

gnomAD v4.1: 3 of 1,611,482 alleles (0.00019%); highest among the groups gnomAD compares: Non-Finnish European, 0.00025%; no homozygotes.

Submission:

Labcorp Genetics (formerly Invitae), Labcorp
Classification: Uncertain significance for Bethlem myopathy 2; Ullrich congenital muscular dystrophy 2. Last evaluated: 2026-01-28. Review status: criteria provided, single submitter. Criteria: Invitae Variant Classification Sherloc (09022015). Collection method: clinical testing. Allele origin: germline.
Comment: This sequence change replaces proline, which is neutral and non-polar, with leucine, which is neutral and non-polar, at codon 2140 of the COL12A1 protein (p.Pro2140Leu). This variant is present in population databases (rs781001617, gnomAD 0.0009%). This variant has not been reported in the literature in individuals affected with COL12A1-related conditions. Invitae Evidence Modeling of protein sequence and biophysical properties (such as structural, functional, and spatial information, amino acid conservation, physicochemical variation, residue mobility, and thermodynamic stability) has been performed for this missense variant. However, the output from this modeling did not meet the statistical confidence thresholds required to predict the impact of this variant on COL12A1 protein function. In summary, the available evidence is currently insufficient to determine the role of this variant in disease. Therefore, it has been classified as a Variant of Uncertain Significance.

NM_004370.6(COL12A1):c.6419C>T (p.Pro2140Leu)

Gene: COL12A1 (collagen type XII alpha 1 chain; minus strand). Cytogenetic location: 6q13.
Variant type: single nucleotide variant.
Coding change: c.6419C>T on transcript NM_004370.6 (MANE Select); coding-DNA position 6419, C replaced by T.
Protein change: p.Pro2140Leu; replaces proline 2140 with leucine.
Molecular consequence: missense variant.
Genome position (GRCh38, 1-based): chr6:75,126,392, G>A on the plus strand (C>T on the coding strand, the complement: COL12A1 is on the minus strand). VCF-style: chr6-75126392-G-A. GRCh37 (hg19) VCF-style: chr6-75836108-G-A.
Other names: c.6419C>T, p.Pro2140Leu (NM_001424113.1); c.6398C>T, p.Pro2133Leu (NM_001424114.1); c.6146C>T, p.Pro2049Leu (NM_001424115.1); c.2927C>T, p.Pro976Leu (NM_001424116.1, NM_080645.3); short protein forms P2133L, P2049L, P2140L, P976L.
Identifiers: ClinVar variation 4783351 (VCV004783351.1).